The following is an entry in ClinVar:

NM_000257.4(MYH7):c.1166G>A (p.Gly389Glu)

Gene: MYH7 (myosin heavy chain 7; minus strand). Cytogenetic location: 14q11.2.
Variant type: single nucleotide variant.
Coding change: c.1166G>A on transcript NM_000257.4 (MANE Select); coding-DNA position 1166, G replaced by A.
Protein change: p.Gly389Glu; replaces glycine 389 with glutamic acid.
Molecular consequence: missense variant.
Genome position (GRCh38, 1-based): chr14:23,429,320, C>T on the plus strand (G>A on the coding strand, the complement: MYH7 is on the minus strand). VCF-style: chr14-23429320-C-T. GRCh37 (hg19) VCF-style: chr14-23898529-C-T.
Other names: p.G389E:GGG>GAG; short protein forms G389E.
Identifiers: ClinVar variation 164377 (VCV000164377.21), dbSNP rs727503268, ClinGen allele CA010316.
Genomic context (GRCh38, chr14:23,429,320, plus strand): 5'-TCATTGCCCACTTTCACCCGAGGGTGGCACAGCCCCTTGAGCAGGTCGGCTGAGTTCAGC[C>T]CCATGAGGTAGGCAGACTTGTCAGCCTCTGGAAGGAAAAGGCAAGTAGCAAAGTTGGTAA-3'
Protein context (NP_000248.2, residues 379-399): EEADKSAYLM[Gly389Glu]LNSADLLKGL

ClinVar aggregate classification (germline): Conflicting classifications of pathogenicity. Review status: criteria provided, conflicting classifications (1 of 4 stars). 4 submissions from 4 submitters: Likely pathogenic (2); Uncertain significance (2). Last evaluated 2026-08-20.

Conditions:
Cardiovascular phenotype. Identifiers: MedGen CN230736.
Hypertrophic cardiomyopathy. Also called: HYPERTROPHIC MYOCARDIOPATHY. Identifiers: Orphanet 217569, MedGen C0007194, MeSH D002312, MONDO:0005045, HP:0001639.

Submissions (4):

Ambry Genetics
Classification: Likely pathogenic for Cardiovascular phenotype. Last evaluated: 2026-08-20. Review status: criteria provided, single submitter. Criteria: Ambry Variant Classification Scheme 2023. Collection method: clinical testing. Allele origin: germline.
Comment: The p.G389E variant (also known as c.1166G>A), located in coding exon 11 of the MYH7 gene, results from a G to A substitution at nucleotide position 1166. The glycine at codon 389 is replaced by glutamic acid, an amino acid with similar properties. This variant was reported in individual(s) with features consistent with hypertrophic cardiomyopathy (Walsh R et al. Genet. Med., 2017 Feb;19:192-203; Atiga WL et al. Circulation. 2000 Mar;101(11):1237-42; Hathaway J et al. BMC Cardiovasc Disord. 2021 Mar;21(1):126; Ambry internal data). This variant is located in the myosin head domain, which contains a statistically significant clustering of pathogenic missense variants (Homburger JR et al. Proc Natl Acad Sci U S A, 2016 06;113:6701-6; Walsh R et al. Genet Med, 2017 02;19:192-203; Ambry internal data). This amino acid position is highly conserved in available vertebrate species. In addition, this alteration is predicted to be deleterious by in silico analysis. This variant is considered to be rare based on population cohorts in the Genome Aggregation Database (gnomAD). Based on the majority of available evidence to date, this variant is likely to be pathogenic.

Labcorp Genetics (formerly Invitae), Labcorp
Classification: Uncertain significance for Hypertrophic cardiomyopathy. Last evaluated: 2025-01-22. Review status: criteria provided, single submitter. Criteria: Invitae Variant Classification Sherloc (09022015). Collection method: clinical testing. Allele origin: germline.
Comment: This sequence change replaces glycine, which is neutral and non-polar, with glutamic acid, which is acidic and polar, at codon 389 of the MYH7 protein (p.Gly389Glu). This variant is not present in population databases (gnomAD no frequency). This missense change has been observed in individual(s) with hypertrophic cardiomyopathy (PMID: 27532257, 33673806, 37652022). ClinVar contains an entry for this variant (Variation ID: 164377). Invitae Evidence Modeling of protein sequence and biophysical properties (such as structural, functional, and spatial information, amino acid conservation, physicochemical variation, residue mobility, and thermodynamic stability) indicates that this missense variant is expected to disrupt MYH7 protein function with a positive predictive value of 95%. In summary, the available evidence is currently insufficient to determine the role of this variant in disease. Therefore, it has been classified as a Variant of Uncertain Significance.

GeneDx
Classification: Likely pathogenic. Last evaluated: 2024-07-01. Review status: criteria provided, single submitter. Criteria: GeneDx Variant Classification Process June 2021. Collection method: clinical testing. Allele origin: germline. Affected: yes.
Comment: Not observed at significant frequency in large population cohorts (gnomAD); In silico analysis supports that this missense variant has a deleterious effect on protein structure/function; This variant is associated with the following publications: (PMID: 27532257, 29300372, 33673806, 37652022)

Laboratory for Molecular Medicine, Mass General Brigham Personalized Medicine
Classification: Uncertain significance. Last evaluated: 2013-02-15. Review status: criteria provided, single submitter. Criteria: LMM Criteria. Collection method: clinical testing. Allele origin: germline. Observed: 2 variant alleles.
Comment: proposed classification - variant undergoing re-assessment, contact laboratory

Literature cited by the submitters: PubMed 10725281 (cited by Ambry Genetics); PubMed 27532257 (cited by Ambry Genetics and Labcorp Genetics (formerly Invitae), Labcorp); PubMed 33673806 (cited by Ambry Genetics and Labcorp Genetics (formerly Invitae), Labcorp); PubMed 37652022 (cited by Labcorp Genetics (formerly Invitae), Labcorp).